The following is an entry in ClinVar:

ClinVar aggregate classification (germline): Likely benign. Review status: criteria provided, multiple submitters, no conflicts (2 of 4 stars). 2 submissions from 2 submitters: Likely benign (2). Last evaluated 2025-03-07.

Conditions:
Pheochromocytoma/paraganglioma syndrome 5. Also called: Paragangliomas 5; SDHA-Related Hereditary Paraganglioma-Pheochromocytoma Syndrome. Identifiers: Orphanet 29072, MedGen C3279992, MONDO:0013602, OMIM 614165.
Mitochondrial complex II deficiency, nuclear type 1. Also called: SUCCINATE CoQ REDUCTASE DEFICIENCY. Identifiers: Orphanet 3208, MedGen C5700310, MONDO:0100294, OMIM 252011.

Submissions (2):

Myriad Genetics, Inc.
Classification: Likely benign for Pheochromocytoma/paraganglioma syndrome 5. Last evaluated: 2025-03-07. Review status: criteria provided, single submitter. Criteria: Myriad Autosomal Dominant, Autosomal Recessive and X-Linked Classification Criteria (2023). Collection method: clinical testing. Allele origin: unknown.
Comment: This variant is considered likely benign. This variant is intronic and is not expected to impact mRNA splicing.

Labcorp Genetics (formerly Invitae), Labcorp
Classification: Likely benign for Pheochromocytoma/paraganglioma syndrome 5; Mitochondrial complex II deficiency, nuclear type 1. Last evaluated: 2022-06-27. Review status: criteria provided, single submitter. Criteria: Invitae Variant Classification Sherloc (09022015). Collection method: clinical testing. Allele origin: germline.

NM_004168.4(SDHA):c.1064+7G>T

Gene: SDHA (succinate dehydrogenase complex flavoprotein subunit A; plus strand). Cytogenetic location: 5p15.33.
Variant type: single nucleotide variant.
Coding change: c.1064+7G>T on transcript NM_004168.4 (MANE Select); 7 bases into the intron after coding-DNA position 1064, G replaced by T.
Molecular consequence: intron variant.
Genome position (GRCh38, 1-based): chr5:233,652, G>T. VCF-style: chr5-233652-G-T. GRCh37 (hg19) VCF-style: chr5-233767-G-T.
Other names: c.1064+7G>T (NM_001330758.2); c.920+7G>T (NM_001294332.2).
Identifiers: ClinVar variation 1153030 (VCV001153030.15), dbSNP rs2126578502, ClinGen allele CA2499217818.